The following is an entry in ClinVar:

ClinVar aggregate classification (germline): Uncertain significance (1 of 4 stars; one submission).

Conditions:
Von Hippel-Lindau syndrome (VHLS). Also called: Von Hippel-Lindau; von Hippel–Lindau syndrome; VHL syndrome. Identifiers: Orphanet 892, MedGen C0019562, MONDO:0008667, OMIM 193300. Disease mechanism: loss of function.
Chuvash polycythemia. Also called: POLYCYTHEMIA, VHL-DEPENDENT. Identifiers: Orphanet 238557, MedGen C1837915, MONDO:0009892, OMIM 263400.

Submission:

Labcorp Genetics (formerly Invitae), Labcorp
Classification: Uncertain significance for Von Hippel-Lindau syndrome; Chuvash polycythemia. Last evaluated: 2022-06-10. Review status: criteria provided, single submitter. Criteria: Invitae Variant Classification Sherloc (09022015). Collection method: clinical testing. Allele origin: germline.
Comment: This sequence change replaces glutamine, which is neutral and polar, with histidine, which is basic and polar, at codon 96 of the VHL protein (p.Gln96His). This variant is not present in population databases (gnomAD no frequency). This variant has not been reported in the literature in individuals affected with VHL-related conditions. ClinVar contains an entry for this variant (Variation ID: 1027008). Advanced modeling of protein sequence and biophysical properties (such as structural, functional, and spatial information, amino acid conservation, physicochemical variation, residue mobility, and thermodynamic stability) performed at Invitae indicates that this missense variant is expected to disrupt VHL protein function. In summary, the available evidence is currently insufficient to determine the role of this variant in disease. Therefore, it has been classified as a Variant of Uncertain Significance.

NM_000551.4(VHL):c.288G>T (p.Gln96His)

Gene: VHL (von Hippel-Lindau tumor suppressor; plus strand). Cytogenetic location: 3p25.3.
Variant type: single nucleotide variant.
Coding change: c.288G>T on transcript NM_000551.4 (MANE Select); coding-DNA position 288, G replaced by T.
Protein change: p.Gln96His; replaces glutamine 96 with histidine.
Molecular consequence: missense variant.
Genome position (GRCh38, 1-based): chr3:10,142,135, G>T. VCF-style: chr3-10142135-G-T. GRCh37 (hg19) VCF-style: chr3-10183819-G-T.
Other names: c.288G>T, p.Gln96His (NM_001354723.2, NM_198156.3); short protein forms Q96H.
Identifiers: ClinVar variation 1027008 (VCV001027008.9), dbSNP rs1553619446, ClinGen allele CA351750838.